The following is an entry in ClinVar:

NM_052989.3(IFT122):c.3191A>G (p.Asn1064Ser)

Gene: IFT122 (intraflagellar transport 122; plus strand). Cytogenetic location: 3q22.1.
Variant type: single nucleotide variant.
Coding change: c.3191A>G on transcript NM_052989.3 (MANE Select); coding-DNA position 3191, A replaced by G.
Protein change: p.Asn1064Ser; replaces asparagine 1064 with serine.
Molecular consequence: missense variant.
Genome position (GRCh38, 1-based): chr3:129,515,525, A>G. VCF-style: chr3-129515525-A-G. GRCh37 (hg19) VCF-style: chr3-129234368-A-G.
Other names: c.3170A>G, p.Asn1057Ser (NM_001280541.2); c.2741A>G, p.Asn914Ser (NM_001280545.2); c.2564A>G, p.Asn855Ser (NM_001280546.2); c.3014A>G, p.Asn1005Ser (NM_018262.4); c.3344A>G, p.Asn1115Ser (NM_052985.4); c.2861A>G, p.Asn954Ser (NM_052990.3); short protein forms N1064S, N914S, N1005S, N1115S, N954S, N1057S, N855S.
Identifiers: ClinVar variation 1398953 (VCV001398953.7), dbSNP rs767491295, ClinGen allele CA2606832.
Genomic context (GRCh38, chr3:129,515,525, plus strand): 5'-GGGAGTCCGTGGCTGTTTTGTAGGAGTTGGTGCCCTTGTGCTACCGCTGCTCCACCAACA[A>G]CCCGCTGCTCAACAACCTGGGCAACGTCTGCATCAACTGCCGCCAGCCCTTCATCTTCTC-3'
Protein context (NP_443715.1, residues 1054-1074): VPLCYRCSTN[Asn1064Ser]PLLNNLGNVC

ClinVar aggregate classification (germline): Uncertain significance. Review status: criteria provided, multiple submitters, no conflicts (2 of 4 stars). 2 submissions from 2 submitters: Uncertain significance (2). Last evaluated 2022-05-20.

Conditions:
Cranioectodermal dysplasia 1 (CED1). Also called: LEVIN SYNDROME I. Identifiers: Orphanet 1515, MedGen C0432235, MONDO:0021093, OMIM 218330.

Allele frequency attached by ClinVar (database versions not stated): gnomAD 0.00001; gnomAD exomes 0.00003 and 0.00004; TOPMed 0.00003; ExAC 0.00006.
gnomAD v4.1: 41 of 1,579,366 alleles (0.0026%); highest among the groups gnomAD compares: Middle Eastern, 0.038%; no homozygotes.

Submissions (2):

Labcorp Genetics (formerly Invitae), Labcorp
Classification: Uncertain significance for Cranioectodermal dysplasia 1. Last evaluated: 2022-05-20. Review status: criteria provided, single submitter. Criteria: Invitae Variant Classification Sherloc (09022015). Collection method: clinical testing. Allele origin: germline.
Comment: In summary, the available evidence is currently insufficient to determine the role of this variant in disease. Therefore, it has been classified as a Variant of Uncertain Significance. Algorithms developed to predict the effect of sequence changes on RNA splicing suggest that this variant may create or strengthen a splice site. Algorithms developed to predict the effect of missense changes on protein structure and function are either unavailable or do not agree on the potential impact of this missense change (SIFT: "Tolerated"; PolyPhen-2: "Possibly Damaging"; Align-GVGD: "Class C0"). This variant has not been reported in the literature in individuals affected with IFT122-related conditions. This variant is present in population databases (rs767491295, gnomAD 0.009%). This sequence change replaces asparagine, which is neutral and polar, with serine, which is neutral and polar, at codon 1115 of the IFT122 protein (p.Asn1115Ser).

Fulgent Genetics
Classification: Uncertain significance for Cranioectodermal dysplasia 1. Last evaluated: 2022-02-04. Review status: criteria provided, single submitter. Criteria: ACMG Guidelines, 2015. Collection method: clinical testing. Allele origin: unknown.